The following is an entry in ClinVar:

NM_053025.4(MYLK):c.884A>C (p.Lys295Thr)

Gene: MYLK (myosin light chain kinase; minus strand). Cytogenetic location: 3q21.1.
Variant type: single nucleotide variant.
Coding change: c.884A>C on transcript NM_053025.4 (MANE Select); coding-DNA position 884, A replaced by C.
Protein change: p.Lys295Thr; replaces lysine 295 with threonine.
Molecular consequence: missense variant.
Genome position (GRCh38, 1-based): chr3:123,734,112, T>G on the plus strand (A>C on the coding strand, the complement: MYLK is on the minus strand). VCF-style: chr3-123734112-T-G. GRCh37 (hg19) VCF-style: chr3-123452959-T-G.
Other names: c.356A>C, p.Lys119Thr (NM_001321309.2); c.884A>C, p.Lys295Thr (NM_053026.4, NM_053027.4, NM_053028.4); c.884A>C (NM_053025.3); short protein forms K295T, K119T.
Identifiers: ClinVar variation 2960790 (VCV002960790.5), dbSNP rs755250257, ClinGen allele CA354239945.

ClinVar aggregate classification (germline): Uncertain significance. Review status: criteria provided, multiple submitters, no conflicts (2 of 4 stars). 3 submissions from 3 submitters: Uncertain significance (3). Last evaluated 2025-04-09.

Conditions:
Aortic aneurysm, familial thoracic 7 (AAT7). Also called: AORTIC DISSECTION, FAMILIAL, WITH OR WITHOUT AORTIC ANEURYSM. Identifiers: MedGen C3151077, MONDO:0013418, OMIM 613780.
Familial thoracic aortic aneurysm and aortic dissection (TAAD). Also called: Thoracic aortic aneurysms and dissections. Identifiers: Orphanet 91387, MedGen C4707243, MONDO:0019625.

Allele frequency attached by ClinVar (database versions not stated): gnomAD 0.00001; gnomAD exomes 0.00001.
gnomAD v4.1: 4 of 1,602,440 alleles (0.00025%); highest among the groups gnomAD compares: Admixed American, 0.0067%; no homozygotes.

Submissions (3):

Ambry Genetics
Classification: Uncertain significance for Familial thoracic aortic aneurysm and aortic dissection. Last evaluated: 2025-04-09. Review status: criteria provided, single submitter. Criteria: Ambry Variant Classification Scheme 2023. Collection method: clinical testing. Allele origin: germline.

GeneDx
Classification: Uncertain significance. Last evaluated: 2023-12-14. Review status: criteria provided, single submitter. Criteria: GeneDx Variant Classification Process June 2021. Collection method: clinical testing. Allele origin: germline. Affected: yes.
Comment: Has not been previously published as pathogenic or benign to our knowledge; Not observed at significant frequency in large population cohorts (gnomAD); In silico analysis supports that this missense variant does not alter protein structure/function

Labcorp Genetics (formerly Invitae), Labcorp
Classification: Uncertain significance for Aortic aneurysm, familial thoracic 7. Last evaluated: 2022-11-17. Review status: criteria provided, single submitter. Criteria: Invitae Variant Classification Sherloc (09022015). Collection method: clinical testing. Allele origin: germline.
Comment: This variant has not been reported in the literature in individuals affected with MYLK-related conditions. In summary, the available evidence is currently insufficient to determine the role of this variant in disease. Therefore, it has been classified as a Variant of Uncertain Significance. Advanced modeling of protein sequence and biophysical properties (such as structural, functional, and spatial information, amino acid conservation, physicochemical variation, residue mobility, and thermodynamic stability) performed at Invitae indicates that this missense variant is not expected to disrupt MYLK protein function. This variant is not present in population databases (gnomAD no frequency). This sequence change replaces lysine, which is basic and polar, with threonine, which is neutral and polar, at codon 295 of the MYLK protein (p.Lys295Thr).